The following is an entry in ClinVar:

ClinVar aggregate classification (germline): Uncertain significance (1 of 4 stars; one submission).

Submission:

Labcorp Genetics (formerly Invitae), Labcorp
Classification: Uncertain significance. Last evaluated: 2025-05-16. Review status: criteria provided, single submitter. Criteria: Invitae Variant Classification Sherloc (09022015). Collection method: clinical testing. Allele origin: germline.
Comment: This sequence change replaces aspartic acid, which is acidic and polar, with valine, which is neutral and non-polar, at codon 1391 of the NBEA protein (p.Asp1391Val). This variant is not present in population databases (gnomAD no frequency). This variant has not been reported in the literature in individuals affected with NBEA-related conditions. Invitae Evidence Modeling of protein sequence and biophysical properties (such as structural, functional, and spatial information, amino acid conservation, physicochemical variation, residue mobility, and thermodynamic stability) indicates that this missense variant is expected to disrupt NBEA protein function with a positive predictive value of 80%. In summary, the available evidence is currently insufficient to determine the role of this variant in disease. Therefore, it has been classified as a Variant of Uncertain Significance.

NM_001385012.1(NBEA):c.4172A>T (p.Asp1391Val)

Gene: NBEA (neurobeachin; plus strand). Cytogenetic location: 13q13.3.
Variant type: single nucleotide variant.
Coding change: c.4172A>T on transcript NM_001385012.1 (MANE Select); coding-DNA position 4172, A replaced by T.
Protein change: p.Asp1391Val; replaces aspartic acid 1391 with valine.
Molecular consequence: missense variant.
Genome position (GRCh38, 1-based): chr13:35,164,448, A>T. VCF-style: chr13-35164448-A-T. GRCh37 (hg19) VCF-style: chr13-35738585-A-T.
Other names: c.4172A>T, p.Asp1391Val (NM_001379245.1, NM_015678.5); short protein forms D1391V.
Identifiers: ClinVar variation 4740754 (VCV004740754.1).